The following is an entry in ClinVar:

ClinVar aggregate classification (germline): Likely benign. Review status: criteria provided, multiple submitters, no conflicts (2 of 4 stars). 2 submissions from 2 submitters: Likely benign (2). Last evaluated 2023-01-31.

Allele frequency attached by ClinVar (database versions not stated): gnomAD 0.00001; ExAC 0.00002; TOPMed 0.00002; 1000 Genomes Project 30x 0.00016; 1000 Genomes Project 0.00020.

Submissions (2):

Blueprint Genetics
Classification: Likely benign. Last evaluated: 2023-01-31. Review status: criteria provided, single submitter. Criteria: ACMG Guidelines, 2015. Collection method: clinical testing. Allele origin: germline.

CeGaT Center for Human Genetics Tuebingen
Classification: Likely benign. Last evaluated: 2022-08-01. Review status: criteria provided, single submitter. Criteria: CeGaT Center For Human Genetics Tuebingen Variant Classification Criteria Version 2. Collection method: clinical testing. Allele origin: germline. Affected: yes. Observed: 1 variant allele.
Comment: NBEA: BP4

NM_001385012.1(NBEA):c.4143C>T (p.Asn1381=)

Gene: NBEA (neurobeachin; plus strand). Cytogenetic location: 13q13.3.
Variant type: single nucleotide variant.
Coding change: c.4143C>T on transcript NM_001385012.1 (MANE Select); coding-DNA position 4143, C replaced by T.
Protein change: p.Asn1381=; no amino-acid change (asparagine 1381 retained).
Molecular consequence: synonymous variant.
Genome position (GRCh38, 1-based): chr13:35,164,419, C>T. VCF-style: chr13-35164419-C-T. GRCh37 (hg19) VCF-style: chr13-35738556-C-T.
Other names: c.4143C>T, p.Asn1381= (NM_001379245.1, NM_015678.5).
Identifiers: ClinVar variation 1711365 (VCV001711365.31), dbSNP rs546855534, ClinGen allele CA6946759.